The following is an entry in ClinVar:

NM_002838.5(PTPRC):c.3919T>C (p.Ter1307Gln)

Gene: PTPRC (protein tyrosine phosphatase receptor type C; plus strand). Cytogenetic location: 1q32.1.
Variant type: single nucleotide variant.
Coding change: c.3919T>C on transcript NM_002838.5 (MANE Select); coding-DNA position 3919, T replaced by C.
Protein change: p.Ter1307Gln.
Molecular consequence: stop lost.
Genome position (GRCh38, 1-based): chr1:198,756,179, T>C. VCF-style: chr1-198756179-T-C. GRCh37 (hg19) VCF-style: chr1-198725308-T-C.
Other names: c.3436T>C, p.Ter1146Gln (NM_080921.4).
Identifiers: ClinVar variation 2083484 (VCV002083484.1), dbSNP rs1293460023, ClinGen allele CA344056443.

ClinVar aggregate classification (germline): Uncertain significance (1 of 4 stars; one submission).

Conditions:
Immunodeficiency 104. Also called: Severe Combined Immune Deficiency, Autosomal Recessive, TCell -Negative, B Cell-Positive, NK Cell-Positive, IL7R-Related; Severe combined immunodeficiency, autosomal recessive, T cell-negative, B cell-positive, NK cell-positive; IMMUNODEFICIENCY 104, SEVERE COMBINED; SCID, AUTOSOMAL RECESSIVE, T CELL-NEGATIVE, B CELL-POSITIVE, NK CELL-POSITIVE. Identifiers: MedGen C5676890, MONDO:0012163, OMIM 608971.

Allele frequency attached by ClinVar (database versions not stated): gnomAD 0.00001; gnomAD exomes 0.00001; TOPMed 0.00002.
gnomAD v4.1: 6 of 1,612,830 alleles (0.00037%); highest among the groups gnomAD compares: Admixed American, 0.0084%; no homozygotes.

Submission:

Labcorp Genetics (formerly Invitae), Labcorp
Classification: Uncertain significance for Immunodeficiency 104. Last evaluated: 2022-09-01. Review status: criteria provided, single submitter. Criteria: Invitae Variant Classification Sherloc (09022015). Collection method: clinical testing. Allele origin: germline.
Comment: This sequence change disrupts the translational stop signal of the PTPRC mRNA. It is expected to extend the length of the PTPRC protein by 4 additional amino acid residues. This variant is present in population databases (no rsID available, gnomAD 0.003%). This variant has not been reported in the literature in individuals affected with PTPRC-related conditions. Experimental studies and prediction algorithms are not available or were not evaluated, and the functional significance of this variant is currently unknown. In summary, the available evidence is currently insufficient to determine the role of this variant in disease. Therefore, it has been classified as a Variant of Uncertain Significance.